The following is an entry in ClinVar:

NM_000726.5(CACNB4):c.316G>A (p.Ala106Thr)

Gene: CACNB4 (calcium voltage-gated channel auxiliary subunit beta 4; minus strand). Cytogenetic location: 2q23.3.
Variant type: single nucleotide variant.
Coding change: c.316G>A on transcript NM_000726.5 (MANE Select); coding-DNA position 316, G replaced by A.
Protein change: p.Ala106Thr; replaces alanine 106 with threonine.
Molecular consequence: missense variant. On other transcripts: 5 prime UTR variant (2).
Genome position (GRCh38, 1-based): chr2:151,880,874, C>T on the plus strand (G>A on the coding strand, the complement: CACNB4 is on the minus strand). VCF-style: chr2-151880874-C-T. GRCh37 (hg19) VCF-style: chr2-152737388-C-T.
Other names: c.262G>A, p.Ala88Thr (NM_001005746.4, NM_001330113.2); c.214G>A, p.Ala72Thr (NM_001005747.4, NM_001330115.2); c.316G>A, p.Ala106Thr (NM_001145798.3); c.175G>A, p.Ala59Thr (NM_001320722.3, NM_001330116.2, NM_001330118.2); c.-319G>A (NM_001330114.2); c.-243G>A (NM_001330117.2); short protein forms A106T, A59T, A72T, A88T.
Identifiers: ClinVar variation 1060725 (VCV001060725.9), dbSNP rs781542443, ClinGen allele CA1912645.
Genomic context (GRCh38, chr2:151,880,874, plus strand): 5'-GAAAGTCTTTAGCATCAAAGGAGATAGCTGTGCTTGGAACAGGCACATCCTCGTCCAGGG[C>T]GCCGCAGTAGCTCACATTTGTCTTCACGGCAAATGCTACAGGTTTGGACTAGGGACAGAA-3'
Protein context (NP_000717.2, residues 96-116): AVKTNVSYCG[Ala106Thr]LDEDVPVPST

ClinVar aggregate classification (germline): Uncertain significance (1 of 4 stars; one submission).

Conditions:
Idiopathic generalized epilepsy. Also called: EIG; Generalised epilepsy. Identifiers: MedGen C0270850, MONDO:0005579, OMIM 600669.

Allele frequency attached by ClinVar (database versions not stated): ExAC 0.00001; gnomAD 0.00001; gnomAD exomes 0.00001.
gnomAD v4.1: 19 of 1,613,480 alleles (0.0012%); highest among the groups gnomAD compares: South Asian, 0.0044%; no homozygotes.

Submission:

Labcorp Genetics (formerly Invitae), Labcorp
Classification: Uncertain significance for Idiopathic generalized epilepsy. Last evaluated: 2022-02-04. Review status: criteria provided, single submitter. Criteria: Invitae Variant Classification Sherloc (09022015). Collection method: clinical testing. Allele origin: germline.
Comment: In summary, the available evidence is currently insufficient to determine the role of this variant in disease. Therefore, it has been classified as a Variant of Uncertain Significance. Algorithms developed to predict the effect of missense changes on protein structure and function are either unavailable or do not agree on the potential impact of this missense change (SIFT: "Deleterious"; PolyPhen-2: "Probably Damaging"; Align-GVGD: "Class C0"). ClinVar contains an entry for this variant (Variation ID: 1060725). This variant has not been reported in the literature in individuals affected with CACNB4-related conditions. This variant is present in population databases (rs781542443, gnomAD 0.002%). This sequence change replaces alanine, which is neutral and non-polar, with threonine, which is neutral and polar, at codon 106 of the CACNB4 protein (p.Ala106Thr).